The following is an entry in ClinVar:

NM_017612.5(ZCCHC8):c.475A>G (p.Ile159Val)

Gene: ZCCHC8 (zinc finger CCHC-type containing 8; minus strand). Cytogenetic location: 12q24.31.
Variant type: single nucleotide variant.
Coding change: c.475A>G on transcript NM_017612.5 (MANE Select); coding-DNA position 475, A replaced by G.
Protein change: p.Ile159Val; replaces isoleucine 159 with valine.
Molecular consequence: missense variant. On other transcripts: 5 prime UTR variant (2).
Genome position (GRCh38, 1-based): chr12:122,489,412, T>C on the plus strand (A>G on the coding strand, the complement: ZCCHC8 is on the minus strand). VCF-style: chr12-122489412-T-C. GRCh37 (hg19) VCF-style: chr12-122973959-T-C.
Other names: c.475A>G, p.Ile159Val (NM_001350935.2); c.178A>G, p.Ile60Val (NM_001350936.2); c.-70A>G (NM_001350937.2, NM_001350938.2); short protein forms I159V, I60V.
Identifiers: ClinVar variation 2964851 (VCV002964851.3), dbSNP rs377098148, ClinGen allele CA6846444.

ClinVar aggregate classification (germline): Uncertain significance (1 of 4 stars; one submission).

Allele frequency attached by ClinVar (database versions not stated): gnomAD exomes 0.00001; ExAC 0.00002; TOPMed 0.00002; ESP Exome Variant Server 0.00008.
gnomAD v4.1: 6 of 1,613,622 alleles (0.00037%); highest among the groups gnomAD compares: Non-Finnish European, 0.00042%; no homozygotes.

Submission:

Labcorp Genetics (formerly Invitae), Labcorp
Classification: Uncertain significance. Last evaluated: 2023-06-27. Review status: criteria provided, single submitter. Criteria: Invitae Variant Classification Sherloc (09022015). Collection method: clinical testing. Allele origin: germline.
Comment: In summary, the available evidence is currently insufficient to determine the role of this variant in disease. Therefore, it has been classified as a Variant of Uncertain Significance. Advanced modeling of protein sequence and biophysical properties (such as structural, functional, and spatial information, amino acid conservation, physicochemical variation, residue mobility, and thermodynamic stability) performed at Invitae indicates that this missense variant is not expected to disrupt ZCCHC8 protein function. This variant has not been reported in the literature in individuals affected with ZCCHC8-related conditions. This variant is present in population databases (rs377098148, gnomAD 0.0009%). This sequence change replaces isoleucine, which is neutral and non-polar, with valine, which is neutral and non-polar, at codon 159 of the ZCCHC8 protein (p.Ile159Val).